The following is an entry in ClinVar:

ClinVar aggregate classification (germline): Uncertain significance (1 of 4 stars; one submission).

Conditions:
Hereditary cancer-predisposing syndrome. Also called: Tumor predisposition; Hereditary neoplastic syndrome; Hereditary Cancer Syndrome; Neoplastic Syndromes, Hereditary. Identifiers: Orphanet 140162, MedGen C0027672, MeSH D009386, MONDO:0015356.

Submission:

Color Diagnostics, LLC DBA Color Health
Classification: Uncertain significance for Hereditary cancer-predisposing syndrome. Last evaluated: 2020-09-03. Review status: criteria provided, single submitter. Criteria: ACMG Guidelines, 2015. Collection method: clinical testing. Allele origin: germline.
Comment: This variant causes a deletion of a single nucleotide from intron 8 of the BRIP1 gene. To our knowledge, functional studies have not been reported for this variant. This variant has not been reported in individuals affected with hereditary cancer in the literature. This variant has not been identified in the general population by the Genome Aggregation Database (gnomAD). The available evidence is insufficient to determine the role of this variant in disease conclusively. Therefore, this variant is classified as a Variant of Uncertain Significance.

NM_032043.3(BRIP1):c.1141-5del

Gene: BRIP1 (BRCA1 interacting DNA helicase 1; minus strand). Cytogenetic location: 17q23.2.
Variant type: Deletion.
Coding change: c.1141-5del on transcript NM_032043.3 (MANE Select); 5 bases into the intron before coding-DNA position 1141, one base deleted (T; older notation c.1141-5delT).
Molecular consequence: intron variant.
Genome position (GRCh38, 1-based): chr17:61,799,304, A deleted on the plus strand (T on the coding strand, the reverse complement: BRIP1 is on the minus strand); the first of 2 consecutive A bases (chr17:61,799,304-61,799,305); deleting either gives the same sequence. VCF-style (leftmost placement, unchanged base first): chr17-61799303-TA-T. GRCh37 (hg19) VCF-style: chr17-59876664-TA-T.
Identifiers: ClinVar variation 1172013 (VCV001172013.2), dbSNP rs2145310777, ClinGen allele CA2499224802.